The following is an entry in ClinVar:

ClinVar aggregate classification (germline): Likely benign. Review status: criteria provided, multiple submitters, no conflicts (2 of 4 stars). 4 submissions from 4 submitters: Likely benign (4). Last evaluated 2026-03-23.

Conditions:
Ehlers-Danlos syndrome, classic type, 1 (EDSCL1). Also called: EDS I; EHLERS-DANLOS SYNDROME, GRAVIS TYPE; EHLERS-DANLOS SYNDROME, SEVERE CLASSIC TYPE; Ehlers-Danlos syndrome, type 1; Ehlers-Danlos Syndrome, Classic Type, COL5A1-Related. Identifiers: MedGen C0268335, MONDO:0019567, OMIM 130000.

Allele frequency attached by ClinVar (database versions not stated): gnomAD exomes below 0.00001; ExAC 0.00001; gnomAD 0.00001.
gnomAD v4.1: 14 of 1,593,676 alleles (0.00088%); highest among the groups gnomAD compares: African/African-American, 0.0027%; no homozygotes.

Submissions (4):

Women's Health and Genetics/Laboratory Corporation of America, LabCorp
Classification: Likely benign. Last evaluated: 2026-03-23. Review status: criteria provided, single submitter. Criteria: LabCorp Variant Classification Summary - May 2015. Collection method: clinical testing. Allele origin: germline.
Comment: Variant summary: COL5A2 c.1618-8C>T alters a nucleotide located at a position not widely known to affect splicing. Consensus agreement among computation tools predict no significant impact on normal splicing. However, these predictions have yet to be confirmed by functional studies. The variant allele was found at a frequency of 4e-06 in 250750 control chromosomes. The available data on variant occurrences in the general population are insufficient to allow any conclusion about variant significance. To our knowledge, no occurrence of c.1618-8C>T in individuals affected with COL5A2-related conditions and no experimental evidence demonstrating its impact on protein function have been reported. ClinVar contains an entry for this variant (Variation ID: 1105566). Based on the evidence outlined above, the variant was classified as likely benign.

Labcorp Genetics (formerly Invitae), Labcorp
Classification: Likely benign for Ehlers-Danlos syndrome, classic type, 1. Last evaluated: 2025-09-24. Review status: criteria provided, single submitter. Criteria: Invitae Variant Classification Sherloc (09022015). Collection method: clinical testing. Allele origin: germline.

Blueprint Genetics
Classification: Likely benign. Last evaluated: 2023-06-27. Review status: criteria provided, single submitter. Criteria: ACMG Guidelines, 2015. Collection method: clinical testing. Allele origin: germline.

GeneDx
Classification: Likely benign. Last evaluated: 2021-05-27. Review status: criteria provided, single submitter. Criteria: GeneDx Variant Classification Process June 2021. Collection method: clinical testing. Allele origin: germline. Affected: yes.

NM_000393.5(COL5A2):c.1618-8C>T

Gene: COL5A2 (collagen type V alpha 2 chain; minus strand). Cytogenetic location: 2q32.2.
Variant type: single nucleotide variant.
Coding change: c.1618-8C>T on transcript NM_000393.5 (MANE Select); 8 bases into the intron before coding-DNA position 1618, C replaced by T.
Molecular consequence: intron variant.
Genome position (GRCh38, 1-based): chr2:189,064,663, G>A on the plus strand (C>T on the coding strand, the complement: COL5A2 is on the minus strand). VCF-style: chr2-189064663-G-A. GRCh37 (hg19) VCF-style: chr2-189929389-G-A.
Identifiers: ClinVar variation 1105566 (VCV001105566.15), dbSNP rs746841809, ClinGen allele CA2022629.